The following is an entry in ClinVar:

ClinVar aggregate classification (germline): Uncertain significance (1 of 4 stars; one submission).

gnomAD v4.1: 1 of 1,609,004 alleles (0.000062%); no homozygotes.

Submission:

Labcorp Genetics (formerly Invitae), Labcorp
Classification: Uncertain significance. Last evaluated: 2023-09-27. Review status: criteria provided, single submitter. Criteria: Invitae Variant Classification Sherloc (09022015). Collection method: clinical testing. Allele origin: germline.
Comment: In summary, the available evidence is currently insufficient to determine the role of this variant in disease. Therefore, it has been classified as a Variant of Uncertain Significance. Advanced modeling of protein sequence and biophysical properties (such as structural, functional, and spatial information, amino acid conservation, physicochemical variation, residue mobility, and thermodynamic stability) performed at Invitae indicates that this missense variant is not expected to disrupt MNX1 protein function. ClinVar contains an entry for this variant (Variation ID: 1943696). This variant has not been reported in the literature in individuals affected with MNX1-related conditions. This variant is not present in population databases (gnomAD no frequency). This sequence change replaces proline, which is neutral and non-polar, with leucine, which is neutral and non-polar, at codon 328 of the MNX1 protein (p.Pro328Leu).

NM_005515.4(MNX1):c.983C>T (p.Pro328Leu)

Gene: MNX1 (motor neuron and pancreas homeobox 1; minus strand). Cytogenetic location: 7q36.3.
Variant type: single nucleotide variant.
Coding change: c.983C>T on transcript NM_005515.4 (MANE Select); coding-DNA position 983, C replaced by T.
Protein change: p.Pro328Leu; replaces proline 328 with leucine.
Molecular consequence: missense variant.
Genome position (GRCh38, 1-based): chr7:157,005,743, G>A on the plus strand (C>T on the coding strand, the complement: MNX1 is on the minus strand). VCF-style: chr7-157005743-G-A. GRCh37 (hg19) VCF-style: chr7-156798437-G-A.
Other names: c.347C>T, p.Pro116Leu (NM_001165255.2); short protein forms P328L, P116L.
Identifiers: ClinVar variation 1943696 (VCV001943696.5), dbSNP rs996422210, ClinGen allele CA370161680.
Genomic context (GRCh38, chr7:157,005,743, plus strand): 5'-AGGCGGCGTCCGCTGCCCTTGTCTCCGGGCGCTGGCGGCCCCAGCAGCTCCTCGGCTCCC[G>A]GCTCCTCCGCGCCGCCCTTCCCCGCGCCCCCGCCGCCGCCCTTCTGTTTCTCCGCTTCCT-3'
Protein context (NP_005506.3, residues 318-338): GGAGKGGAEE[Pro328Leu]GAEELLGPPA